The following is an entry in ClinVar:

NM_022114.4(PRDM16):c.2600A>G (p.Tyr867Cys)

Gene: PRDM16 (PR/SET domain 16; plus strand). Cytogenetic location: 1p36.32.
Variant type: single nucleotide variant.
Coding change: c.2600A>G on transcript NM_022114.4 (MANE Select); coding-DNA position 2600, A replaced by G.
Protein change: p.Tyr867Cys; replaces tyrosine 867 with cysteine.
Molecular consequence: missense variant.
Genome position (GRCh38, 1-based): chr1:3,412,797, A>G. VCF-style: chr1-3412797-A-G. GRCh37 (hg19) VCF-style: chr1-3329361-A-G.
Other names: c.2600A>G, p.Tyr867Cys (NM_199454.3); short protein forms Y867C.
Identifiers: ClinVar variation 849408 (VCV000849408.9), dbSNP rs1643715642, ClinGen allele CA338001033.

ClinVar aggregate classification (germline): Uncertain significance (1 of 4 stars; one submission).

Conditions:
Left ventricular noncompaction 8 (LVNC8). Identifiers: Orphanet 154, Orphanet 54260, MedGen C3809288, MONDO:0014152, OMIM 615373.

Submission:

Labcorp Genetics (formerly Invitae), Labcorp
Classification: Uncertain significance for Left ventricular noncompaction 8. Last evaluated: 2019-02-12. Review status: criteria provided, single submitter. Criteria: Invitae Variant Classification Sherloc (09022015). Collection method: clinical testing. Allele origin: germline.
Comment: In summary, the available evidence is currently insufficient to determine the role of this variant in disease. Therefore, it has been classified as a Variant of Uncertain Significance. Algorithms developed to predict the effect of missense changes on protein structure and function (SIFT, PolyPhen-2, Align-GVGD) all suggest that this variant is likely to be disruptive, but these predictions have not been confirmed by published functional studies and their clinical significance is uncertain. This variant has not been reported in the literature in individuals with PRDM16-related conditions. The frequency data for this variant in the population databases is considered unreliable, as metrics indicate insufficient coverage at this position in the ExAC database. This sequence change replaces tyrosine with cysteine at codon 867 of the PRDM16 protein (p.Tyr867Cys). The tyrosine residue is highly conserved and there is a large physicochemical difference between tyrosine and cysteine.